The following is an entry in ClinVar:

NM_004100.5(EYA4):c.586G>T (p.Gly196Cys)

Gene: EYA4 (EYA transcriptional coactivator and phosphatase 4; plus strand). Cytogenetic location: 6q23.2.
Variant type: single nucleotide variant.
Coding change: c.586G>T on transcript NM_004100.5 (MANE Select); coding-DNA position 586, G replaced by T.
Protein change: p.Gly196Cys; replaces glycine 196 with cysteine.
Molecular consequence: missense variant.
Genome position (GRCh38, 1-based): chr6:133,462,626, G>T. VCF-style: chr6-133462626-G-T. GRCh37 (hg19) VCF-style: chr6-133783764-G-T.
Other names: c.424G>T, p.Gly142Cys (NM_001301012.2, NM_001370459.1); c.586G>T, p.Gly196Cys (NM_001301013.2, NM_172105.4); c.517G>T, p.Gly173Cys (NM_001370458.1, NM_172103.4); short protein forms G196C, G173C, G142C.
Identifiers: ClinVar variation 1383187 (VCV001383187.8), dbSNP rs764258439, ClinGen allele CA365698721.

ClinVar aggregate classification (germline): Uncertain significance (1 of 4 stars; one submission).

Conditions:
Dilated cardiomyopathy 1J (CMD1J). Also called: CARDIOMYOPATHY, DILATED, WITH SENSORINEURAL HEARING LOSS, AUTOSOMAL DOMINANT. Identifiers: Orphanet 217622, MedGen C1854368, MONDO:0011541, OMIM 605362.

Allele frequency attached by ClinVar (database versions not stated): gnomAD exomes below 0.00001; gnomAD 0.00001; TOPMed 0.00001.
gnomAD v4.1: 2 of 1,613,800 alleles (0.00012%); highest among the groups gnomAD compares: Admixed American, 0.0033%; no homozygotes.

Submission:

Labcorp Genetics (formerly Invitae), Labcorp
Classification: Uncertain significance for Dilated cardiomyopathy 1J. Last evaluated: 2025-05-16. Review status: criteria provided, single submitter. Criteria: Invitae Variant Classification Sherloc (09022015). Collection method: clinical testing. Allele origin: germline.
Comment: This sequence change replaces glycine, which is neutral and non-polar, with cysteine, which is neutral and slightly polar, at codon 196 of the EYA4 protein (p.Gly196Cys). This variant is present in population databases (no rsID available, gnomAD 0.003%). This missense change has been observed in individual(s) with deafness (PMID: 33745059). ClinVar contains an entry for this variant (Variation ID: 1383187). An algorithm developed to predict the effect of missense changes on protein structure and function (PolyPhen-2) suggests that this variant is likely to be disruptive. In summary, the available evidence is currently insufficient to determine the role of this variant in disease. Therefore, it has been classified as a Variant of Uncertain Significance.

Literature cited by the submitters: PubMed 33745059.